The following is an entry in ClinVar:

NM_014915.3(ANKRD26):c.4999+1G>A

Gene: ANKRD26 (ankyrin repeat domain containing 26; minus strand). Cytogenetic location: 10p12.1.
Variant type: single nucleotide variant.
Coding change: c.4999+1G>A on transcript NM_014915.3 (MANE Select); the canonical splice donor site of the intron after coding-DNA position 4999, G replaced by A.
Molecular consequence: splice donor variant.
Genome position (GRCh38, 1-based): chr10:27,006,916, C>T on the plus strand (G>A on the coding strand, the complement: ANKRD26 is on the minus strand). VCF-style: chr10-27006916-C-T. GRCh37 (hg19) VCF-style: chr10-27295845-C-T.
Other names: c.4996+1G>A (NM_001256053.2).
Identifiers: ClinVar variation 3347131 (VCV003347131.1).

ClinVar aggregate classification (germline): Uncertain significance (0 of 4 stars; one submission).

Conditions:
ANKRD26-related disorder. Also called: ANKRD26-related condition.

Submission:

PreventionGenetics, part of Exact Sciences
Classification: Uncertain significance for ANKRD26-related condition. Last evaluated: 2024-09-21. Review status: no assertion criteria provided. Collection method: clinical testing. Allele origin: germline.
Comment: The ANKRD26 c.4999+1G>A variant is predicted to disrupt the GT donor site and interfere with normal splicing. To our knowledge, this variant has not been reported in the literature or in a large population database, indicating this variant is rare. Loss of function, including alterations to splicing, is not an established mechanism of ANKRD26-related disease. Although we suspect that this variant may be pathogenic, at this time, the clinical significance of this variant is uncertain due to the absence of conclusive functional and genetic evidence.